The following is an entry in ClinVar:

NM_152703.5(SAMD9L):c.3719del (p.Pro1240fs)

Gene: SAMD9L (sterile alpha motif domain containing 9 like; minus strand). Cytogenetic location: 7q21.2.
Variant type: Deletion.
Coding change: c.3719del on transcript NM_152703.5 (MANE Select); coding-DNA position 3719, one base deleted (C; older notation c.3719delC).
Protein change: p.Pro1240fs; shifts the reading frame from proline 1240.
Molecular consequence: frameshift variant.
Genome position (GRCh38, 1-based): chr7:93,132,253, G deleted on the plus strand (C on the coding strand, the reverse complement: SAMD9L is on the minus strand); the first of 2 consecutive G bases (chr7:93,132,253-93,132,254); deleting either gives the same sequence. VCF-style (leftmost placement, unchanged base first): chr7-93132252-AG-A. GRCh37 (hg19) VCF-style: chr7-92761565-AG-A.
Other names: c.3719del (NM_152703.3); c.3719del, p.Pro1240fs (NM_001303496.3, NM_001303497.3, NM_001303498.3 and 5 more transcripts); short protein forms P1240fs.
Identifiers: ClinVar variation 1963080 (VCV001963080.6), dbSNP rs762131767, ClinGen allele CA4343415.

ClinVar aggregate classification (germline): Uncertain significance. Review status: criteria provided, multiple submitters, no conflicts (2 of 4 stars). 2 submissions from 2 submitters: Uncertain significance (2). Last evaluated 2024-07-30.

Submissions (2):

Labcorp Genetics (formerly Invitae), Labcorp
Classification: Uncertain significance. Last evaluated: 2024-07-30. Review status: criteria provided, single submitter. Criteria: Invitae Variant Classification Sherloc (09022015). Collection method: clinical testing. Allele origin: germline.
Comment: This sequence change creates a premature translational stop signal (p.Pro1240Leufs*18) in the SAMD9L gene. While this is not anticipated to result in nonsense mediated decay, it is expected to disrupt the last 345 amino acid(s) of the SAMD9L protein. This variant is present in population databases (rs762131767, gnomAD 0.0009%). This variant has not been reported in the literature in individuals affected with SAMD9L-related conditions. ClinVar contains an entry for this variant (Variation ID: 1963080). Experimental studies and prediction algorithms are not available or were not evaluated, and the functional significance of this variant is currently unknown. In summary, the available evidence is currently insufficient to determine the role of this variant in disease. Therefore, it has been classified as a Variant of Uncertain Significance.

GeneDx
Classification: Uncertain significance. Last evaluated: 2023-05-23. Review status: criteria provided, single submitter. Criteria: GeneDx Variant Classification Process June 2021. Collection method: clinical testing. Allele origin: germline. Affected: yes.
Comment: Frameshift variant predicted to result in protein truncation as the last 345 amino acids are replaced with 17 different amino acids, although loss of function is not a well-established mechanism of disease for this gene; Has not been previously published as pathogenic or benign to our knowledge; Not observed at significant frequency in large population cohorts (gnomAD)